The following is an entry in ClinVar:

NM_000136.3(FANCC):c.1414G>A (p.Gly472Arg)

Genes: AOPEP (aminopeptidase O (putative); plus strand), FANCC (FA complementation group C; minus strand). Cytogenetic location: 9q22.32.
Variant type: single nucleotide variant.
Coding change: c.1414G>A on transcript NM_000136.3 (MANE Select); coding-DNA position 1414, G replaced by A.
Protein change: p.Gly472Arg; replaces glycine 472 with arginine.
Molecular consequence: missense variant.
Genome position (GRCh38, 1-based): chr9:95,107,185, C>T on the plus strand (G>A on the coding strand, the complement: FANCC is on the minus strand). VCF-style: chr9-95107185-C-T. GRCh37 (hg19) VCF-style: chr9-97869467-C-T.
Other names: c.1414G>A, p.Gly472Arg (NM_001243743.2); short protein forms G472R.
Identifiers: ClinVar variation 134299 (VCV000134299.55), dbSNP rs201063698, ClinGen allele CA332152.

ClinVar aggregate classification (germline): Conflicting classifications of pathogenicity. Review status: criteria provided, conflicting classifications (1 of 4 stars). 10 submissions from 10 submitters: Uncertain significance (2); Benign (1); Likely benign (6). 1 of the submissions does not count toward it. Last evaluated 2026-06-01.

Conditions:
Hereditary cancer-predisposing syndrome. Also called: Neoplastic Syndromes, Hereditary; Hereditary Cancer Syndrome; Tumor predisposition; Hereditary neoplastic syndrome. Identifiers: Orphanet 140162, MedGen C0027672, MeSH D009386, MONDO:0015356.
Fanconi anemia (FA). Also called: Fanconi's anemia. Identifiers: Orphanet 84, MedGen C0015625, MeSH D005199, MONDO:0019391.
Fanconi anemia complementation group C (FANCC). Also called: FANCONI PANCYTOPENIA, TYPE 3; FACC; FANCC-Related Fanconi Anemia; Fanconi anemia, group C. Identifiers: Orphanet 84, MedGen C3468041, MONDO:0009213, OMIM 227645.

Allele frequency attached by ClinVar (database versions not stated): gnomAD 0.00002 and 0.00008; TOPMed 0.00005; ExAC 0.00041; 1000 Genomes Project 30x 0.00016; gnomAD exomes 0.00033 and 0.00020; 1000 Genomes Project 0.00020.
gnomAD v4.1: 297 of 1,614,184 alleles (0.018%); highest among the groups gnomAD compares: South Asian, 0.26%; 2 homozygotes.

Submissions (10):

CeGaT Center for Human Genetics Tuebingen
Classification: Likely benign. Last evaluated: 2026-06-01. Review status: criteria provided, single submitter. Criteria: CeGaT Center For Human Genetics Tuebingen Variant Classification Criteria Version 2. Collection method: clinical testing. Allele origin: germline. Affected: yes. Observed: 2 variant alleles.
Comment: FANCC: BP4

Labcorp Genetics (formerly Invitae), Labcorp
Classification: Likely benign for Fanconi anemia. Last evaluated: 2026-01-21. Review status: criteria provided, single submitter. Criteria: Invitae Variant Classification Sherloc (09022015). Collection method: clinical testing. Allele origin: germline.

Women's Health and Genetics/Laboratory Corporation of America, LabCorp
Classification: Likely benign. Last evaluated: 2023-10-24. Review status: criteria provided, single submitter. Criteria: LabCorp Variant Classification Summary - May 2015. Collection method: clinical testing. Allele origin: germline.
Comment: Variant summary: FANCC c.1414G>A (p.Gly472Arg) results in a non-conservative amino acid change in the encoded protein sequence. Four of five in-silico tools predict a benign effect of the variant on protein function. The variant allele was found at a frequency of 0.00033 in 251292 control chromosomes, predominantly at a frequency of 0.0025 within the South Asian subpopulation in the gnomAD database. The observed variant frequency within South Asian control individuals in the gnomAD database is approximately 1.4 fold of the estimated maximal expected allele frequency for a pathogenic variant in FANCC causing Fanconi Anemia Group C phenotype (0.0018), strongly suggesting that the variant is a benign polymorphism found primarily in populations of South Asian origin. c.1414G>A has been reported in the literature in individuals affected with Pancreas cancer (example, Bhai_2021, Shindo_2017), without strong evidence for causality. These report(s) do not provide unequivocal conclusions about association of the variant with Fanconi Anemia Group C or other FANCC related diseases. To our knowledge, no experimental evidence demonstrating an impact on protein function has been reported. The following publications have been ascertained in the context of this evaluation (PMID: 34326862, 28767289). Six submitters have cited clinical-significance assessments for this variant to ClinVar after 2014 (Likely benign, n=4, Benign, n=1, VUS, n=1). Based on the evidence outlined above, the variant was classified as likely benign.

Ambry Genetics
Classification: Benign for Hereditary cancer-predisposing syndrome. Last evaluated: 2023-04-03. Review status: criteria provided, single submitter. Criteria: Ambry Variant Classification Scheme 2023. Collection method: clinical testing. Allele origin: germline.

Quest Diagnostics Nichols Institute San Juan Capistrano
Classification: Likely benign. Last evaluated: 2023-03-23. Review status: criteria provided, single submitter. Criteria: Quest Diagnostics criteria. Collection method: clinical testing. Allele origin: unknown.

Sema4
Classification: Uncertain significance for Fanconi anemia. Last evaluated: 2021-08-05. Review status: criteria provided, single submitter. Criteria: Sema4 Curation Guidelines. Collection method: curation. Allele origin: germline.
Comment: The FANCC c.1414G>A (p.G472R) variant has been reported in heterozygosity in at least one individual with pancreatic cancer (PMID: 28767289). It has also been seen in healthy controls (PMID: 24728327, 32546565). This variant was observed in 75/30608 chromosomes in the South Asian population, with no homozygotes, according to the Genome Aggregation Database (PMID: 32461654). This variant has been reported in ClinVar (Variation ID: 134299). In silico tools suggest the impact of the variant on protein function is benign, though these predictions have not been confirmed by functional studies. The evidence is insufficient to meet ACMG/AMP criteria for classifying the variant as benign or pathogenic. Thus, the clinical significance of this variant is currently uncertain.

Genome-Nilou Lab
Classification: Likely benign for Fanconi anemia complementation group C. Last evaluated: 2021-05-18. Review status: criteria provided, single submitter. Criteria: ACMG Guidelines, 2015. Collection method: clinical testing. Allele origin: germline. Affected: no.

GeneDx
Classification: Likely benign. Last evaluated: 2020-10-13. Review status: criteria provided, single submitter. Criteria: GeneDx Variant Classification Process June 2021. Collection method: clinical testing. Allele origin: germline. Affected: yes.
Comment: This variant is associated with the following publications: (PMID: 24728327, 21279724, 28767289)

Department of Pathology and Laboratory Medicine, Sinai Health System
Classification: Uncertain significance for Fanconi anemia complementation group C. Last evaluated: 2020-08-19. Review status: criteria provided, single submitter. Criteria: ACMG Guidelines, 2015. Collection method: clinical testing. Allele origin: germline. Affected: yes.

ITMI
No classification provided. Condition: AllHighlyPenetrant. Last evaluated: 2013-09-19. Review status: no classification provided. Collection method: reference population. Allele origin: germline. Not counted in ClinVar's aggregate classification.
Comment: Please see associated publication for description of ethnicities

Literature cited by the submitters: PubMed 28767289 (cited by 3 submitters); PubMed 34326862 (cited by Women's Health and Genetics/Laboratory Corporation of America, LabCorp); PubMed 24728327 (cited by 5 submitters); PubMed 32659497 (cited by Ambry Genetics and Quest Diagnostics Nichols Institute San Juan Capistrano); PubMed 32546565 (cited by Quest Diagnostics Nichols Institute San Juan Capistrano and Sema4); PubMed 33471991 (cited by Quest Diagnostics Nichols Institute San Juan Capistrano); PubMed 21279724 (cited by Quest Diagnostics Nichols Institute San Juan Capistrano and Department of Pathology and Laboratory Medicine, Sinai Health System).